The following is an entry in ClinVar:

NM_018136.5(ASPM):c.5541G>A (p.Val1847=)

Gene: ASPM (assembly factor for spindle microtubules; minus strand). Cytogenetic location: 1q31.3.
Variant type: single nucleotide variant.
Coding change: c.5541G>A on transcript NM_018136.5 (MANE Select); coding-DNA position 5541, G replaced by A.
Protein change: p.Val1847=; no amino-acid change (valine 1847 retained).
Molecular consequence: synonymous variant. On other transcripts: intron variant (1).
Genome position (GRCh38, 1-based): chr1:197,103,710, C>T on the plus strand (G>A on the coding strand, the complement: ASPM is on the minus strand). VCF-style: chr1-197103710-C-T. GRCh37 (hg19) VCF-style: chr1-197072840-C-T.
Other names: c.4066-7546G>A (NM_001206846.2).
Identifiers: ClinVar variation 511529 (VCV000511529.3), dbSNP rs1553223608, ClinGen allele CA422806732.

ClinVar aggregate classification (germline): Likely benign. Review status: criteria provided, multiple submitters, no conflicts (2 of 4 stars). 2 submissions from 2 submitters: Likely benign (2). Last evaluated 2024-05-31.

Submissions (2):

Labcorp Genetics (formerly Invitae), Labcorp
Classification: Likely benign. Last evaluated: 2024-05-31. Review status: criteria provided, single submitter. Criteria: Invitae Variant Classification Sherloc (09022015). Collection method: clinical testing. Allele origin: germline.

GeneDx
Classification: Likely benign. Last evaluated: 2017-08-21. Review status: criteria provided, single submitter. Criteria: GeneDx Variant Classification (06012015). Collection method: clinical testing. Allele origin: germline. Affected: yes.
Comment: This variant is considered likely benign or benign based on one or more of the following criteria: it is a conservative change, it occurs at a poorly conserved position in the protein, it is predicted to be benign by multiple in silico algorithms, and/or has population frequency not consistent with disease.